The following is an entry in ClinVar:

NC_000022.11:g.40346104C>G

Gene: ADSL (adenylosuccinate lyase; plus strand). Cytogenetic location: 22q13.1.
Variant type: single nucleotide variant.
Genome position: GRCh38 VCF-style: chr22-40346104-C-G. GRCh37 (hg19) VCF-style: chr22-40742108-C-G.
Identifiers: ClinVar variation 1385846 (VCV001385846.6), dbSNP rs1293829192, ClinGen allele CA639407977.
Genomic context (GRCh38, chr22:40,346,104, plus strand): 5'-AAGCGTACACACGGCCTTCCAAGTGTGCCAGACACCGCTCTAACACTGAATCCGCACAAC[C>G]CGAAAGGCAGGCCTTTTTTTTTTTTTTTTTTTTTGCTTTTTGTTTTTTAGAGACGGGAGG-3'

ClinVar aggregate classification (germline): Uncertain significance (1 of 4 stars; one submission).

Conditions:
Adenylosuccinate lyase deficiency (ADSLD). Also called: ADSL DEFICIENCY. Identifiers: Orphanet 46, MedGen C0268126, MONDO:0007068, OMIM 103050.

Allele frequency attached by ClinVar (database versions not stated): TOPMed 0.00002; gnomAD 0.00003.

Submission:

Labcorp Genetics (formerly Invitae), Labcorp
Classification: Uncertain significance for Adenylosuccinate lyase deficiency. Last evaluated: 2021-10-20. Review status: criteria provided, single submitter. Criteria: Invitae Variant Classification Sherloc (09022015). Collection method: clinical testing. Allele origin: germline.
Comment: In summary, the available evidence is currently insufficient to determine the role of this variant in disease. Therefore, it has been classified as a Variant of Uncertain Significance. Experimental studies and prediction algorithms are not available or were not evaluated, and the functional significance of this variant is currently unknown. This variant has not been reported in the literature in individuals affected with ADSL-related conditions. This variant is present in population databases (no rsID available, gnomAD 0.03%). This variant occurs in a non-coding region of the ADSL gene. It does not change the encoded amino acid sequence of the ADSL protein.